The following is an entry in ClinVar:

NM_004484.4(GPC3):c.369G>C (p.Lys123Asn)

Gene: GPC3 (glypican 3; minus strand). Cytogenetic location: Xq26.2.
Variant type: single nucleotide variant.
Coding change: c.369G>C on transcript NM_004484.4 (MANE Select); coding-DNA position 369, G replaced by C.
Protein change: p.Lys123Asn; replaces lysine 123 with asparagine.
Molecular consequence: missense variant.
Genome position (GRCh38, 1-based): chrX:133,754,145, C>G on the plus strand (G>C on the coding strand, the complement: GPC3 is on the minus strand). VCF-style: chrX-133754145-C-G. GRCh37 (hg19) VCF-style: chrX-132888172-C-G.
Other names: c.369G>C, p.Lys123Asn (NM_001164617.2); c.321G>C, p.Lys107Asn (NM_001164618.2); c.207G>C, p.Lys69Asn (NM_001164619.2); short protein forms K69N, K107N, K123N.
Identifiers: ClinVar variation 651140 (VCV000651140.14), dbSNP rs201942331, ClinGen allele CA10520836.

ClinVar aggregate classification (germline): Conflicting classifications of pathogenicity. Review status: criteria provided, conflicting classifications (1 of 4 stars). 3 submissions from 3 submitters: Uncertain significance (2); Likely benign (1). Last evaluated 2025-07-29.

Conditions:
Wilms tumor 1 (WT1). Also called: Wilms tumor, somatic. Identifiers: Orphanet 654, MedGen CN033288, MONDO:0008679, OMIM 194070.
Inborn genetic diseases. Identifiers: MedGen C0950123, MeSH D030342.

Allele frequency attached by ClinVar (database versions not stated): ExAC 0.00001; gnomAD 0.00002; gnomAD exomes 0.00002; TOPMed 0.00003.
gnomAD v4.1: 25 of 1,174,878 alleles (0.0021%); highest among the groups gnomAD compares: Non-Finnish European, 0.0025%; no homozygotes.

Submissions (3):

Labcorp Genetics (formerly Invitae), Labcorp
Classification: Likely benign for Wilms tumor 1. Last evaluated: 2025-07-29. Review status: criteria provided, single submitter. Criteria: Invitae Variant Classification Sherloc (09022015). Collection method: clinical testing. Allele origin: germline.

Women's Health and Genetics/Laboratory Corporation of America, LabCorp
Classification: Uncertain significance. Last evaluated: 2025-04-24. Review status: criteria provided, single submitter. Criteria: LabCorp Variant Classification Summary - May 2015. Collection method: clinical testing. Allele origin: germline.
Comment: Variant summary: GPC3 c.369G>C (p.Lys123Asn) results in a non-conservative amino acid change in the encoded protein sequence. Four of five in-silico tools predict a damaging effect of the variant on protein function. The variant allele was found at a frequency of 1.7e-05 in 178040 control chromosomes. The available data on variant occurrences in the general population are insufficient to allow any conclusion about variant significance. To our knowledge, no occurrence of c.369G>C in individuals affected with Simpson-Golabi-Behmel Syndrome, Type 1 and no experimental evidence demonstrating its impact on protein function have been reported. ClinVar contains an entry for this variant (Variation ID: 651140). Based on the evidence outlined above, the variant was classified as uncertain significance.

Ambry Genetics
Classification: Uncertain significance for Inborn genetic diseases. Last evaluated: 2024-01-16. Review status: criteria provided, single submitter. Criteria: Ambry Variant Classification Scheme 2023. Collection method: clinical testing. Allele origin: germline.